The following is an entry in ClinVar:

NM_002691.4(POLD1):c.1555C>G (p.Pro519Ala)

Gene: POLD1 (DNA polymerase delta 1, catalytic subunit; plus strand). Cytogenetic location: 19q13.33.
Variant type: single nucleotide variant.
Coding change: c.1555C>G on transcript NM_002691.4 (MANE Select); coding-DNA position 1555, C replaced by G.
Protein change: p.Pro519Ala; replaces proline 519 with alanine.
Molecular consequence: missense variant. On other transcripts: non-coding transcript variant (1).
Genome position (GRCh38, 1-based): chr19:50,407,043, C>G. VCF-style: chr19-50407043-C-G. GRCh37 (hg19) VCF-style: chr19-50910300-C-G.
Other names: c.1555C>G, p.Pro519Ala (NM_001256849.1, NM_001308632.1); short protein forms P519A.
Identifiers: ClinVar variation 945779 (VCV000945779.9), dbSNP rs1601219285, ClinGen allele CA406980861.

ClinVar aggregate classification (germline): Uncertain significance (1 of 4 stars; one submission).

Conditions:
POLD1-related polyposis and colorectal cancer syndrome (CRCS10). Also called: Colorectal cancer 10; COLORECTAL CANCER, SUSCEPTIBILITY TO, ON CHROMOSOME 19q; Colorectal cancer, susceptibility to, 10. Identifiers: Orphanet 220460, MedGen C2675481, MONDO:0012953, OMIM 612591.

Submission:

Labcorp Genetics (formerly Invitae), Labcorp
Classification: Uncertain significance for POLD1-related polyposis and colorectal cancer syndrome. Last evaluated: 2019-08-10. Review status: criteria provided, single submitter. Criteria: Invitae Variant Classification Sherloc (09022015). Collection method: clinical testing. Allele origin: germline.
Comment: In summary, the available evidence is currently insufficient to determine the role of this variant in disease. Therefore, it has been classified as a Variant of Uncertain Significance. Algorithms developed to predict the effect of missense changes on protein structure and function are either unavailable or do not agree on the potential impact of this missense change (SIFT: "Deleterious"; PolyPhen-2: "Probably Damaging"; Align-GVGD: "Class C0"). This variant has not been reported in the literature in individuals with POLD1-related conditions. This variant is not present in population databases (ExAC no frequency). This sequence change replaces proline with alanine at codon 519 of the POLD1 protein (p.Pro519Ala). The proline residue is highly conserved and there is a small physicochemical difference between proline and alanine.